The following is an entry in ClinVar:

NM_000521.4(HEXB):c.1478T>C (p.Val493Ala)

Gene: HEXB (hexosaminidase subunit beta; plus strand). Cytogenetic location: 5q13.3.
Variant type: single nucleotide variant.
Coding change: c.1478T>C on transcript NM_000521.4 (MANE Select); coding-DNA position 1478, T replaced by C.
Protein change: p.Val493Ala; replaces valine 493 with alanine.
Molecular consequence: missense variant.
Genome position (GRCh38, 1-based): chr5:74,720,488, T>C. VCF-style: chr5-74720488-T-C. GRCh37 (hg19) VCF-style: chr5-74016313-T-C.
Other names: c.803T>C, p.Val268Ala (NM_001292004.2); short protein forms V268A, V493A.
Identifiers: ClinVar variation 3336594 (VCV003336594.1).

ClinVar aggregate classification (germline): Uncertain significance (1 of 4 stars; one submission).

gnomAD v4.1: 13 of 1,613,514 alleles (0.00081%); highest among the groups gnomAD compares: East Asian, 0.029%; no homozygotes.

Submission:

Women's Health and Genetics/Laboratory Corporation of America, LabCorp
Classification: Uncertain significance. Last evaluated: 2024-05-14. Review status: criteria provided, single submitter. Criteria: LabCorp Variant Classification Summary - May 2015. Collection method: clinical testing. Allele origin: germline.
Comment: Variant summary: HEXB c.1478T>C (p.Val493Ala) results in a non-conservative amino acid change located in the Glycoside hydrolase family 20, catalytic domain (IPR015883) of the encoded protein sequence. Five of five in-silico tools predict a damaging effect of the variant on protein function. The variant was absent in 251406 control chromosomes. The available data on variant occurrences in the general population are insufficient to allow any conclusion about variant significance. To our knowledge, no occurrence of c.1478T>C in individuals affected with Sandhoff Disease and no experimental evidence demonstrating its impact on protein function have been reported. No submitters have cited clinical-significance assessments for this variant to ClinVar. Based on the evidence outlined above, the variant was classified as uncertain significance.